The following is an entry in ClinVar:

NM_133379.5(TTN):c.15122C>G (p.Thr5041Arg)

Genes: TTN (titin; minus strand), LOC126806432 (CDK7 strongly-dependent group 2 enhancer GRCh37_chr2:179611985-179613184; plus strand). Cytogenetic location: 2q31.2.
Variant type: single nucleotide variant.
Coding change: c.15122C>G on transcript NM_133379.5; coding-DNA position 15122, C replaced by G.
Protein change: p.Thr5041Arg; replaces threonine 5041 with arginine.
Molecular consequence: missense variant. On other transcripts: intron variant (6).
Genome position (GRCh38, 1-based): chr2:178,747,278, G>C on the plus strand (C>G on the coding strand, the complement: TTN is on the minus strand). VCF-style: chr2-178747278-G-C. GRCh37 (hg19) VCF-style: chr2-179612005-G-C.
Other names: p.T5041R:ACA>AGA; c.10361-5357C>G (NM_001256850.1); c.10223-5357C>G (NM_003319.4); c.10799-5357C>G (NM_133437.4); c.10598-5357C>G (NM_133432.3); c.10360+5846C>G (NM_133378.4); c.11312-5357C>G (NM_001267550.2); c.15122C>G (NM_133379.4); short protein forms T5041R.
Identifiers: ClinVar variation 203206 (VCV000203206.28), dbSNP rs148791107, ClinGen allele CA311677.

ClinVar aggregate classification (germline): Conflicting classifications of pathogenicity. Review status: criteria provided, conflicting classifications (1 of 4 stars). 8 submissions from 8 submitters: Uncertain significance (5); Likely benign (3). Last evaluated 2026-08-01.

Conditions:
TTN-related disorder. Also called: TTN-related disorders; TTN-related condition; TTN-related disease.
Myopathy, myofibrillar, 9, with early respiratory failure (MFM9). Also called: Hereditary myopathy with early respiratory failure; EDSTROM MYOPATHY; MYOPATHY, PROXIMAL, WITH EARLY RESPIRATORY MUSCLE INVOLVEMENT; Myopathy, distal, with early respiratory failure, autosomal dominant. Identifiers: Orphanet 178464, Orphanet 34521, MedGen C1863599, MONDO:0011362, OMIM 603689.
Tibial muscular dystrophy (TMD). Also called: Tibial muscular dystrophy, tardive; UDD MYOPATHY; Udd Distal Myopathy – Tibial Muscular Dystrophy. Identifiers: Orphanet 609, MedGen C1838244, MONDO:0010870, OMIM 600334.
Autosomal recessive limb-girdle muscular dystrophy type 2J (LGMDR10). Also called: Limb-girdle muscular dystrophy, type 2J; MUSCULAR DYSTROPHY, LIMB-GIRDLE, AUTOSOMAL RECESSIVE 10. Identifiers: Orphanet 140922, MedGen C1837342, MONDO:0012127, OMIM 608807.
Dilated cardiomyopathy 1G (CMD1G). Identifiers: Orphanet 154, MedGen C1858763, MONDO:0011400, OMIM 604145.
Hypertrophic cardiomyopathy 9. Also called: Familial hypertrophic cardiomyopathy 9. Identifiers: MedGen C1861065, MONDO:0013412, OMIM 613765.
Early-onset myopathy with fatal cardiomyopathy (CMYO5). Also called: Salih Myopathy; CONGENITAL MYOPATHY 5 WITH CARDIOMYOPATHY. Identifiers: Orphanet 289377, MedGen C2673677, MONDO:0012714, OMIM 611705. Disease mechanism: loss of function.

Allele frequency attached by ClinVar (database versions not stated): ExAC 0.00014; gnomAD 0.00015 and 0.00016; gnomAD exomes 0.00016; TOPMed 0.00021; ESP Exome Variant Server 0.00031.
gnomAD v4.1: 588 of 1,613,128 alleles (0.036%); highest among the groups gnomAD compares: Non-Finnish European, 0.047%; no homozygotes.

Submissions (8):

CeGaT Center for Human Genetics Tuebingen
Classification: Uncertain significance. Last evaluated: 2026-08-01. Review status: criteria provided, single submitter. Criteria: CeGaT Center For Human Genetics Tuebingen Variant Classification Criteria Version 2. Collection method: clinical testing. Allele origin: germline. Affected: yes. Observed: 4 variant alleles.
Comment: TTN: PM2, BP4

PreventionGenetics, part of Exact Sciences
Classification: Likely benign for TTN-related condition. Last evaluated: 2025-05-07. Review status: criteria provided, single submitter. Criteria: ACMG Guidelines, 2015. Collection method: clinical testing. Allele origin: germline.
Comment: This variant is classified as likely benign based on ACMG/AMP sequence variant interpretation guidelines (Richards et al. 2015 PMID: 25741868, with internal and published modifications).

Molecular Diagnostic Laboratory for Inherited Cardiovascular Disease, Montreal Heart Institute
Classification: Likely benign. Last evaluated: 2025-04-09. Review status: criteria provided, single submitter. Criteria: ACMG Guidelines, 2015. Collection method: clinical testing. Allele origin: germline. Affected: no.
Comment: BP1;BP5

Blueprint Genetics
Classification: Likely benign. Last evaluated: 2024-11-25. Review status: criteria provided, single submitter. Criteria: ACMG Guidelines, 2015. Collection method: clinical testing. Allele origin: germline.

Fulgent Genetics
Classification: Uncertain significance for Tibial muscular dystrophy; Myopathy, myofibrillar, 9, with early respiratory failure; Dilated cardiomyopathy 1G; Autosomal recessive limb-girdle muscular dystrophy type 2J; Early-onset myopathy with fatal cardiomyopathy; Hypertrophic cardiomyopathy 9. Last evaluated: 2021-10-11. Review status: criteria provided, single submitter. Criteria: ACMG Guidelines, 2015. Collection method: clinical testing. Allele origin: unknown.

Eurofins Ntd Llc (ga)
Classification: Uncertain significance. Last evaluated: 2017-01-04. Review status: criteria provided, single submitter. Criteria: EGL Classification Definitions 2015. Collection method: clinical testing. Allele origin: germline. Observed: 1 variant allele, 1 heterozygote.

Laboratory for Molecular Medicine, Mass General Brigham Personalized Medicine
Classification: Uncertain significance. Last evaluated: 2015-01-30. Review status: criteria provided, single submitter. Criteria: LMM Criteria. Collection method: clinical testing. Allele origin: germline. Observed: 1 variant allele.
Comment: The p.Thr5041Arg variant in TTN has not been previously reported in individuals with cardiomyopathy but has been identified in 3/10496 of African chromosomes by the Exome Aggregation Consortium (ExAC; dbSNP r s148791107). Computational prediction tools and conservation analysis are limit ed or unavailable for this variant. In summary, the clinical significance of the p.Thr5041Arg variant is uncertain.

GeneDx
Classification: Uncertain significance. Last evaluated: 2014-04-07. Review status: criteria provided, single submitter. Criteria: GeneDx Variant Classification (06012015). Collection method: clinical testing. Allele origin: germline. Affected: yes.
Comment: Missense variants in the TTN gene are considered 'unclassified' if they are not previously reported in the literature and do not have >1% frequency in the population to be considered a polymorphism. Research indicates that truncating mutations in the TTN gene are expected to account for approximately 25% of familial and 18% of sporadic idiopathic DCM; however, truncating variants in the TTN gene have been reported in approximately 3% of reported control alleles. There has been little investigation into non-truncating variants. (Herman D et al. Truncations of titin causing dilated cardiomyopathy. N Eng J Med 366:619-628, 2012) The variant is found in CARDIOMYOPATHY panel(s).